The following is an entry in ClinVar:

NM_005263.5(GFI1):c.1146C>A (p.Asn382Lys)

Genes: GFI1 (growth factor independent 1 transcriptional repressor; minus strand), LOC129930930 (ATAC-STARR-seq lymphoblastoid active region 1314; plus strand). Cytogenetic location: 1p22.1.
Variant type: single nucleotide variant.
Coding change: c.1146C>A on transcript NM_005263.5 (MANE Select); coding-DNA position 1146, C replaced by A.
Protein change: p.Asn382Lys; replaces asparagine 382 with lysine.
Molecular consequence: missense variant.
Genome position (GRCh38, 1-based): chr1:92,476,152, G>T on the plus strand (C>A on the coding strand, the complement: GFI1 is on the minus strand). VCF-style: chr1-92476152-G-T. GRCh37 (hg19) VCF-style: chr1-92941709-G-T.
Other names: c.1146C>A, p.Asn382Lys (NM_001127215.3, NM_001127216.3); short protein forms N382K.
Identifiers: ClinVar variation 4858031 (VCV004858031.1).

ClinVar aggregate classification (germline): Uncertain significance (1 of 4 stars; one submission).

Submission:

Ambry Genetics
Classification: Uncertain significance. Last evaluated: 2026-04-05. Review status: criteria provided, single submitter. Criteria: Ambry Variant Classification Scheme 2023. Collection method: clinical testing. Allele origin: germline.
Comment: The p.N382K variant (also known as c.1146C>A), located in coding exon 6 of the GFI1 gene, results from a C to A substitution at nucleotide position 1146. The asparagine at codon 382 is replaced by lysine, an amino acid with similar properties. This amino acid position is conserved. In addition, this alteration is predicted to be tolerated by in silico analysis. Based on the available evidence, the clinical significance of this variant remains unclear.